The following is an entry in ClinVar:

NM_001042475.3(CEP85L):c.1848T>C (p.Asn616=)

Gene: CEP85L (centrosomal protein 85L; minus strand). Cytogenetic location: 6q22.31.
Variant type: single nucleotide variant.
Coding change: c.1848T>C on transcript NM_001042475.3 (MANE Select); coding-DNA position 1848, T replaced by C.
Protein change: p.Asn616=; no amino-acid change (asparagine 616 retained).
Molecular consequence: synonymous variant.
Genome position (GRCh38, 1-based): chr6:118,480,411, A>G on the plus strand (T>C on the coding strand, the complement: CEP85L is on the minus strand). VCF-style: chr6-118480411-A-G. GRCh37 (hg19) VCF-style: chr6-118801574-A-G.
Other names: c.1857T>C, p.Asn619= (NM_001178035.2).
Identifiers: ClinVar variation 4872853 (VCV004872853.2).

ClinVar aggregate classification (germline): Likely benign (1 of 4 stars; one submission).

gnomAD v4.1: 78 of 1,606,346 alleles (0.0049%); highest among the groups gnomAD compares: Admixed American, 0.033%; no homozygotes.

Submission:

CeGaT Center for Human Genetics Tuebingen
Classification: Likely benign. Last evaluated: 2026-04-01. Review status: criteria provided, single submitter. Criteria: CeGaT Center For Human Genetics Tuebingen Variant Classification Criteria Version 2. Collection method: clinical testing. Allele origin: germline. Affected: yes. Observed: 1 variant allele.
Comment: CEP85L: BP4, BP7